The following is an entry in ClinVar:

ClinVar aggregate classification (germline): Uncertain significance (1 of 4 stars; one submission).

Conditions:
Developmental and epileptic encephalopathy, 1 (DEE1). Also called: X-linked infantile spasms; West's syndrome; Tonic spasms with clustering, arrest of psychomotor development and hypsarrhythmia on EEG; X-Linked Infantile Spasm Syndrome; INFANTILE SPASM SYNDROME, X-LINKED 1; Epileptic encephalopathy, early infantile, 1. Identifiers: MedGen C3463992, MONDO:0010632, OMIM 308350. Disease mechanism: loss of function.
Intellectual disability, X-linked, with or without seizures, ARX-related. Also called: INTELLECTUAL DEVELOPMENTAL DISORDER, X-LINKED 29; MENTAL RETARDATION, X-LINKED 29; MENTAL RETARDATION, X-LINKED 32; MENTAL RETARDATION, X-LINKED 33; MENTAL RETARDATION, X-LINKED 38; MENTAL RETARDATION, X-LINKED 43. Identifiers: Orphanet 777, MedGen C0796244, MONDO:0010317, OMIM 300419.

Allele frequency attached by ClinVar (database versions not stated): gnomAD exomes below 0.00001; gnomAD 0.00001.

Submission:

Labcorp Genetics (formerly Invitae), Labcorp
Classification: Uncertain significance for Developmental and epileptic encephalopathy, 1; Intellectual disability, X-linked, with or without seizures, ARX-related. Last evaluated: 2022-08-09. Review status: criteria provided, single submitter. Criteria: Invitae Variant Classification Sherloc (09022015). Collection method: clinical testing. Allele origin: germline.
Comment: This sequence change replaces arginine, which is basic and polar, with cysteine, which is neutral and slightly polar, at codon 257 of the ARX protein (p.Arg257Cys). This variant is not present in population databases (gnomAD no frequency). This variant has not been reported in the literature in individuals affected with ARX-related conditions. Advanced modeling of protein sequence and biophysical properties (such as structural, functional, and spatial information, amino acid conservation, physicochemical variation, residue mobility, and thermodynamic stability) performed at Invitae indicates that this missense variant is not expected to disrupt ARX protein function. In summary, the available evidence is currently insufficient to determine the role of this variant in disease. Therefore, it has been classified as a Variant of Uncertain Significance.

NM_139058.3(ARX):c.769C>T (p.Arg257Cys)

Gene: ARX (aristaless related homeobox; minus strand). Cytogenetic location: Xp21.3.
Variant type: single nucleotide variant.
Coding change: c.769C>T on transcript NM_139058.3 (MANE Select); coding-DNA position 769, C replaced by T.
Protein change: p.Arg257Cys; replaces arginine 257 with cysteine.
Molecular consequence: missense variant.
Genome position (GRCh38, 1-based): chrX:25,013,226, G>A on the plus strand (C>T on the coding strand, the complement: ARX is on the minus strand). VCF-style: chrX-25013226-G-A. GRCh37 (hg19) VCF-style: chrX-25031343-G-A.
Other names: short protein forms R257C.
Identifiers: ClinVar variation 2168902 (VCV002168902.1), dbSNP rs1475419182, ClinGen allele CA412612460.